The following is an entry in ClinVar:

NM_001999.4(FBN2):c.8364+7A>T

Gene: FBN2 (fibrillin 2; minus strand). Cytogenetic location: 5q23.3.
Variant type: single nucleotide variant.
Coding change: c.8364+7A>T on transcript NM_001999.4 (MANE Select); 7 bases into the intron after coding-DNA position 8364, A replaced by T.
Molecular consequence: intron variant.
Genome position (GRCh38, 1-based): chr5:128,261,729, T>A on the plus strand (A>T on the coding strand, the complement: FBN2 is on the minus strand). VCF-style: chr5-128261729-T-A. GRCh37 (hg19) VCF-style: chr5-127597421-T-A.
Other names: p.?.
Identifiers: ClinVar variation 137355 (VCV000137355.61), dbSNP rs185052980, ClinGen allele CA290903.

ClinVar aggregate classification (germline): Benign/Likely benign. Review status: criteria provided, multiple submitters, no conflicts (2 of 4 stars). 17 submissions from 16 submitters: Benign (8); Likely benign (7). 2 of the submissions do not count toward it. Last evaluated 2026-06-01.

Conditions:
Connective tissue disorder. Also called: Connective tissue disease. Identifiers: MedGen C0009782, MONDO:0003900.
Ehlers-Danlos syndrome (EDS). Identifiers: Orphanet 98249, MedGen C0013720, MONDO:0020066.
Congenital contractural arachnodactyly (CCA). Also called: BEALS SYNDROME; Beals-Hecht syndrome; Arthrogryposis, distal, type 9. Identifiers: Orphanet 115, MedGen C0220668, MONDO:0007363, OMIM 121050.

Allele frequency attached by ClinVar (database versions not stated): 1000 Genomes Project 30x 0.00078; 1000 Genomes Project 0.00080; ExAC 0.00103; TOPMed 0.00128; gnomAD 0.00134; ESP Exome Variant Server 0.00177.
gnomAD v4.1: 2,617 of 1,614,014 alleles (0.16%); highest among the groups gnomAD compares: Non-Finnish European, 0.2%; 3 homozygotes.

Submissions (17):

CeGaT Center for Human Genetics Tuebingen
Classification: Likely benign. Last evaluated: 2026-06-01. Review status: criteria provided, single submitter. Criteria: CeGaT Center For Human Genetics Tuebingen Variant Classification Criteria Version 2. Collection method: clinical testing. Allele origin: germline. Affected: yes. Observed: 7 variant alleles.
Comment: FBN2: BP4, BS1

Labcorp Genetics (formerly Invitae), Labcorp
Classification: Benign for Congenital contractural arachnodactyly. Last evaluated: 2026-02-02. Review status: criteria provided, single submitter. Criteria: Invitae Variant Classification Sherloc (09022015). Collection method: clinical testing. Allele origin: germline.

Mayo Clinic Laboratories, Mayo Clinic
Classification: Likely benign. Last evaluated: 2025-08-13. Review status: criteria provided, single submitter. Criteria: ACMG Guidelines, 2015. Collection method: clinical testing. Allele origin: germline. Observed: 7 variant alleles.
Comment: BS1, BP4, BP7

ARUP Laboratories, Molecular Genetics and Genomics, ARUP Laboratories
Classification: Benign. Last evaluated: 2025-05-14. Review status: criteria provided, single submitter. Criteria: ARUP Molecular Germline Variant Investigation Process 2024. Collection method: clinical testing. Allele origin: germline.

Blueprint Genetics
Classification: Likely benign. Last evaluated: 2024-11-25. Review status: criteria provided, single submitter. Criteria: ACMG Guidelines, 2015. Collection method: clinical testing. Allele origin: germline.

Women's Health and Genetics/Laboratory Corporation of America, LabCorp
Classification: Benign. Last evaluated: 2023-07-30. Review status: criteria provided, single submitter. Criteria: LabCorp Variant Classification Summary - May 2015. Collection method: clinical testing. Allele origin: germline.

Genome Diagnostics Laboratory, The Hospital for Sick Children
Classification: Benign for Ehlers-Danlos syndrome. Last evaluated: 2022-03-01. Review status: criteria provided, single submitter. Criteria: ACMG Guidelines, 2015. Collection method: clinical testing. Allele origin: germline.

Genome Diagnostics Laboratory, The Hospital for Sick Children
Classification: Benign for Connective tissue disorder. Last evaluated: 2021-11-03. Review status: criteria provided, single submitter. Criteria: ACMG Guidelines, 2015. Collection method: clinical testing. Allele origin: germline.

Center for Human Genetics, Inc
Classification: Likely benign for Connective tissue disorder. Last evaluated: 2018-06-01. Review status: criteria provided, single submitter. Criteria: ACMG Guidelines, 2015. Collection method: clinical testing. Allele origin: germline. Affected: yes.

Illumina Laboratory Services, Illumina
Classification: Benign for Congenital contractural arachnodactyly. Last evaluated: 2018-01-13. Review status: criteria provided, single submitter. Criteria: ICSL Variant Classification Criteria 13 December 2019. Collection method: clinical testing. Allele origin: germline.
Comment: This variant was observed in the ICSL laboratory as part of a predisposition screen in an ostensibly healthy population. It had not been previously curated by ICSL or reported in the Human Gene Mutation Database (HGMD: prior to June 1st, 2018), and was therefore a candidate for classification through an automated scoring system. Utilizing variant allele frequency, disease prevalence and penetrance estimates, and inheritance mode, an automated score was calculated to assess if this variant is too frequent to cause the disease. Based on the score and internal cut-off values, a variant classified as benign is not then subjected to further curation. The score for this variant resulted in a classification of benign for this disease.

Clinical Genetics DNA and cytogenetics Diagnostics Lab, Erasmus MC, Erasmus Medical Center
Classification: Likely benign for Congenital contractural arachnodactyly. Last evaluated: 2017-01-19. Review status: criteria provided, single submitter. Criteria: ACGS Guidelines, 2013. Collection method: clinical testing. Allele origin: germline. Affected: yes. Study: VKGL Data-share Consensus.

Eurofins Ntd Llc (ga)
Classification: Likely benign. Last evaluated: 2016-07-13. Review status: criteria provided, single submitter. Criteria: EGL Classification Definitions 2015. Collection method: clinical testing. Allele origin: germline. Observed: 1 variant allele, 1 heterozygote.

Genome Diagnostics Laboratory, University Medical Center Utrecht
Classification: Benign for Congenital contractural arachnodactyly. Last evaluated: 2014-10-09. Review status: criteria provided, single submitter. Criteria: ACGS Guidelines, 2013. Collection method: clinical testing. Allele origin: germline. Affected: yes. Study: VKGL Data-share Consensus.

GeneDx
Classification: Benign. Last evaluated: 2014-03-30. Review status: criteria provided, single submitter. Criteria: GeneDx Variant Classification (06012015). Collection method: clinical testing. Allele origin: germline. Affected: yes.
Comment: This variant is considered likely benign or benign based on one or more of the following criteria: it is a conservative change, it occurs at a poorly conserved position in the protein, it is predicted to be benign by multiple in silico algorithms, and/or has population frequency not consistent with disease.

PreventionGenetics, part of Exact Sciences
Classification: Likely benign. Review status: criteria provided, single submitter. Criteria: ACMG Guidelines, 2015. Collection method: clinical testing. Allele origin: germline.

Genome Diagnostics Laboratory, Amsterdam University Medical Center
Classification: Benign for Congenital contractural arachnodactyly. Last evaluated: 2014-11-21. Review status: no assertion criteria provided. Criteria: ACGS Guidelines, 2013. Collection method: clinical testing. Allele origin: germline. Affected: yes. Study: VKGL Data-share Consensus. Not counted in ClinVar's aggregate classification.

Laboratory of Diagnostic Genome Analysis, Leiden University Medical Center (LUMC)
Classification: Likely benign. Review status: no assertion criteria provided. Collection method: clinical testing. Allele origin: germline. Affected: yes. Study: VKGL Data-share Consensus. Not counted in ClinVar's aggregate classification.